The following is an entry in ClinVar:

ClinVar aggregate classification (germline): Benign/Likely benign. Review status: criteria provided, multiple submitters, no conflicts (2 of 4 stars). 12 submissions from 11 submitters: Benign (1); Likely benign (7). 4 of the submissions do not count toward it. Last evaluated 2026-01-27.

Conditions:
Cutis laxa, autosomal dominant 1 (ADCL1). Also called: ELN-Related Cutis Laxa. Identifiers: Orphanet 90348, MedGen C3276539, MONDO:0007411, OMIM 123700. Disease mechanism: Dominant Negative.
ELN-related disorder.
Supravalvar aortic stenosis (SVAS). Also called: Supravalvar aortic stenosis, Eisenberg type. Identifiers: Orphanet 3193, MedGen C0003499, MONDO:0008504, OMIM 185500, HP:0004381.

Allele frequency attached by ClinVar (database versions not stated): 1000 Genomes Project 30x 0.00016; 1000 Genomes Project 0.00020; ESP Exome Variant Server 0.00038; TOPMed 0.00045; ExAC 0.00057; gnomAD 0.00057 and 0.00058.
gnomAD v4.1: 1,113 of 1,613,372 alleles (0.069%); highest among the groups gnomAD compares: Non-Finnish European, 0.087%; 1 homozygote.

Submissions (12):

Labcorp Genetics (formerly Invitae), Labcorp
Classification: Likely benign for Supravalvar aortic stenosis. Last evaluated: 2026-01-27. Review status: criteria provided, single submitter. Criteria: Invitae Variant Classification Sherloc (09022015). Collection method: clinical testing. Allele origin: germline.

PreventionGenetics, part of Exact Sciences
Classification: Likely benign for ELN-related condition. Last evaluated: 2025-06-10. Review status: criteria provided, single submitter. Criteria: ACMG Guidelines, 2015. Collection method: clinical testing. Allele origin: germline.
Comment: This variant is classified as likely benign based on ACMG/AMP sequence variant interpretation guidelines (Richards et al. 2015 PMID: 25741868, with internal and published modifications).

Blueprint Genetics
Classification: Likely benign. Last evaluated: 2024-11-04. Review status: criteria provided, single submitter. Criteria: ACMG Guidelines, 2015. Collection method: clinical testing. Allele origin: germline.

Women's Health and Genetics/Laboratory Corporation of America, LabCorp
Classification: Likely benign. Last evaluated: 2024-06-26. Review status: criteria provided, single submitter. Criteria: LabCorp Variant Classification Summary - May 2015. Collection method: clinical testing. Allele origin: germline.
Comment: Variant summary: ELN c.1594G>A (p.Val532Met) results in a conservative amino acid change in the encoded protein sequence. Five of five in-silico tools predict a benign effect of the variant on protein function. The variant allele was found at a frequency of 0.00047 in 251454 control chromosomes, predominantly at a frequency of 0.00099 within the Non-Finnish European subpopulation in the gnomAD database. The observed variant frequency within Non-Finnish European control individuals in the gnomAD database is approximately 31.68 fold of the estimated maximal expected allele frequency for a pathogenic variant in ELN causing Supravalvar Aortic Stenosis phenotype (3.1e-05). To our knowledge, no occurrence of c.1594G>A in individuals affected with Supravalvar Aortic Stenosis and no experimental evidence demonstrating its impact on protein function have been reported. ClinVar contains an entry for this variant (Variation ID: 360656). Based on the evidence outlined above, the variant was classified as likely benign.

CeGaT Center for Human Genetics Tuebingen
Classification: Likely benign. Last evaluated: 2024-03-01. Review status: criteria provided, single submitter. Criteria: CeGaT Center For Human Genetics Tuebingen Variant Classification Criteria Version 2. Collection method: clinical testing. Allele origin: germline. Affected: yes. Observed: 2 variant alleles.
Comment: ELN: BS1

GeneDx
Classification: Likely benign. Last evaluated: 2021-05-28. Review status: criteria provided, single submitter. Criteria: GeneDx Variant Classification Process June 2021. Collection method: clinical testing. Allele origin: germline. Affected: yes.

Illumina Laboratory Services, Illumina
Classification: Likely benign for Supravalvar aortic stenosis. Last evaluated: 2018-01-13. Review status: criteria provided, single submitter. Criteria: ICSL Variant Classification Criteria 13 December 2019. Collection method: clinical testing. Allele origin: germline.
Comment: This variant was observed in the ICSL laboratory as part of a predisposition screen in an ostensibly healthy population. It had not been previously curated by ICSL or reported in the Human Gene Mutation Database (HGMD: prior to June 1st, 2018), and was therefore a candidate for classification through an automated scoring system. Utilizing variant allele frequency, disease prevalence and penetrance estimates, and inheritance mode, an automated score was calculated to assess if this variant is too frequent to cause the disease. Based on the score and internal cut-off values, a variant classified as likely benign is not then subjected to further curation. The score for this variant resulted in a classification of likely benign for this disease.

Illumina Laboratory Services, Illumina
Classification: Benign for Cutis laxa, autosomal dominant 1. Last evaluated: 2018-01-13. Review status: criteria provided, single submitter. Criteria: ICSL Variant Classification Criteria 13 December 2019. Collection method: clinical testing. Allele origin: germline.
Comment: This variant was observed in the ICSL laboratory as part of a predisposition screen in an ostensibly healthy population. It had not been previously curated by ICSL or reported in the Human Gene Mutation Database (HGMD: prior to June 1st, 2018), and was therefore a candidate for classification through an automated scoring system. Utilizing variant allele frequency, disease prevalence and penetrance estimates, and inheritance mode, an automated score was calculated to assess if this variant is too frequent to cause the disease. Based on the score and internal cut-off values, a variant classified as benign is not then subjected to further curation. The score for this variant resulted in a classification of benign for this disease.

Clinical Genetics DNA and cytogenetics Diagnostics Lab, Erasmus MC, Erasmus Medical Center
Classification: Likely benign. Review status: no assertion criteria provided. Collection method: clinical testing. Allele origin: germline. Affected: yes. Study: VKGL Data-share Consensus. Not counted in ClinVar's aggregate classification.

Genome Diagnostics Laboratory, Amsterdam University Medical Center
Classification: Likely benign. Review status: no assertion criteria provided. Collection method: clinical testing. Allele origin: germline. Affected: yes. Study: VKGL Data-share Consensus. Not counted in ClinVar's aggregate classification.

Genome Diagnostics Laboratory, University Medical Center Utrecht
Classification: Likely benign. Review status: no assertion criteria provided. Collection method: clinical testing. Allele origin: germline. Affected: yes. Study: VKGL Data-share Consensus. Not counted in ClinVar's aggregate classification.

Joint Genome Diagnostic Labs from Nijmegen and Maastricht, Radboudumc and MUMC+
Classification: Likely benign. Review status: no assertion criteria provided. Collection method: clinical testing. Allele origin: germline. Affected: yes. Study: VKGL Data-share Consensus. Not counted in ClinVar's aggregate classification.

NM_000501.4(ELN):c.1507G>A (p.Val503Met)

Genes: ELN (elastin; plus strand), ELN-AS1 (ELN antisense RNA 1; minus strand). Cytogenetic location: 7q11.23.
Variant type: single nucleotide variant.
Coding change: c.1507G>A on transcript NM_000501.4 (MANE Select); coding-DNA position 1507, G replaced by A.
Protein change: p.Val503Met; replaces valine 503 with methionine.
Molecular consequence: missense variant.
Genome position (GRCh38, 1-based): chr7:74,059,978, G>A. VCF-style: chr7-74059978-G-A. GRCh37 (hg19) VCF-style: chr7-73474308-G-A.
Other names: c.1420G>A, p.Val474Met (NM_001081752.3); c.1465G>A, p.Val489Met (NM_001081753.3); c.1522G>A, p.Val508Met (NM_001081754.3); c.1450G>A, p.Val484Met (NM_001081755.3); c.1507G>A, p.Val503Met (NM_001278912.2); c.1264G>A, p.Val422Met (NM_001278913.2); c.1435G>A, p.Val479Met (NM_001278914.2); c.1525G>A, p.Val509Met (NM_001278915.2); and 4 more; short protein forms V503M, V422M, V509M, V532M, V479M, V493M, V470M, V474M.
Identifiers: ClinVar variation 360656 (VCV000360656.45), dbSNP rs41523046, ClinGen allele CA4293082.
Genomic context (GRCh38, chr7:74,059,978, plus strand): 5'-GTTGGCGTGGCTCCTGGTGTCGGTGTGGCTCCTGGAGTTGGCTTGGCTCCTGGAGTTGGC[G>A]TGGCTCCTGGAGTTGGTGTGGCTCCTGGCGTTGGCGTGGCTCCCGGCATTGGCCCTGGTG-3'
Protein context (NP_000492.2, residues 493-513): PGVGLAPGVG[Val503Met]APGVGVAPGV